The following is an entry in ClinVar:

NM_170606.3(KMT2C):c.560C>G (p.Ser187Ter)

Gene: KMT2C (lysine methyltransferase 2C; minus strand). Cytogenetic location: 7q36.1.
Variant type: single nucleotide variant.
Coding change: c.560C>G on transcript NM_170606.3 (MANE Select); coding-DNA position 560, C replaced by G.
Protein change: p.Ser187Ter; replaces serine 187 with a stop codon.
Molecular consequence: nonsense.
Genome position (GRCh38, 1-based): chr7:152,315,168, G>C on the plus strand (C>G on the coding strand, the complement: KMT2C is on the minus strand). VCF-style: chr7-152315168-G-C. GRCh37 (hg19) VCF-style: chr7-152012253-G-C.
Other names: short protein forms S187*.
Identifiers: ClinVar variation 561045 (VCV000561045.2), dbSNP rs1563831738, ClinGen allele CA370196858.

ClinVar aggregate classification (germline): Pathogenic (1 of 4 stars; one submission).

Conditions:
Intellectual disability. Also called: Intellectual functioning disability; intellectual disabilities; Intellectual developmental disorder. Identifiers: MedGen C3714756, MeSH D008607, MONDO:0001071, HP:0001249.

Submission:

Baylor Genetics
Classification: Pathogenic for Intellectual disability. Last evaluated: 2017-09-01. Review status: criteria provided, single submitter. Criteria: ACMG Guidelines, 2015. Collection method: clinical testing. Allele origin: de novo. Inheritance: Autosomal dominant inheritance. Affected: yes.
Comment: Possibly pathogenic variants have been reported in this gene in an individual with Kleefstra syndrome (PMID:22726846) and one with autism (PMID: 22495309).

Literature cited by the submitters: PubMed 25326635.